The following is an entry in ClinVar:

ClinVar aggregate classification (germline): Uncertain significance (1 of 4 stars; one submission).

Conditions:
Vici syndrome (VICIS). Identifiers: Orphanet 1493, MedGen C1855772, MONDO:0009452, OMIM 242840.

Allele frequency attached by ClinVar (database versions not stated): ExAC 0.00002; gnomAD exomes 0.00002; TOPMed 0.00002.
gnomAD v4.1: 9 of 1,614,078 alleles (0.00056%); highest among the groups gnomAD compares: Admixed American, 0.012%; no homozygotes.

Submission:

Labcorp Genetics (formerly Invitae), Labcorp
Classification: Uncertain significance for Vici syndrome. Last evaluated: 2019-07-01. Review status: criteria provided, single submitter. Criteria: Invitae Variant Classification Sherloc (09022015). Collection method: clinical testing. Allele origin: germline.
Comment: This sequence change replaces proline with arginine at codon 135 of the EPG5 protein (p.Pro135Arg). The proline residue is weakly conserved and there is a moderate physicochemical difference between proline and arginine. This variant is present in population databases (rs773717848, ExAC 0.009%). This variant has not been reported in the literature in individuals with EPG5-related conditions. Algorithms developed to predict the effect of missense changes on protein structure and function (SIFT, PolyPhen-2, Align-GVGD) all suggest that this variant is likely to be tolerated, but these predictions have not been confirmed by published functional studies and their clinical significance is uncertain. In summary, the available evidence is currently insufficient to determine the role of this variant in disease. Therefore, it has been classified as a Variant of Uncertain Significance.

NM_020964.3(EPG5):c.404C>G (p.Pro135Arg)

Gene: EPG5 (ectopic P-granules 5 autophagy tethering factor; minus strand). Cytogenetic location: 18q21.1.
Variant type: single nucleotide variant.
Coding change: c.404C>G on transcript NM_020964.3 (MANE Select); coding-DNA position 404, C replaced by G.
Protein change: p.Pro135Arg; replaces proline 135 with arginine.
Molecular consequence: missense variant.
Genome position (GRCh38, 1-based): chr18:45,954,998, G>C on the plus strand (C>G on the coding strand, the complement: EPG5 is on the minus strand). VCF-style: chr18-45954998-G-C. GRCh37 (hg19) VCF-style: chr18-43534964-G-C.
Other names: short protein forms P135R.
Identifiers: ClinVar variation 948514 (VCV000948514.2), dbSNP rs773717848, ClinGen allele CA8949953.